The following is an entry in ClinVar:

ClinVar aggregate classification (germline): Uncertain significance. Review status: criteria provided, multiple submitters, no conflicts (2 of 4 stars). 2 submissions from 2 submitters: Uncertain significance (2). Last evaluated 2025-05-15.

Allele frequency attached by ClinVar (database versions not stated): gnomAD exomes 0.00001; ExAC 0.00004.
gnomAD v4.1: 19 of 1,595,496 alleles (0.0012%); highest among the groups gnomAD compares: Admixed American, 0.016%; no homozygotes.

Submissions (2):

Ambry Genetics
Classification: Uncertain significance. Last evaluated: 2025-05-15. Review status: criteria provided, single submitter. Criteria: Ambry Variant Classification Scheme 2023. Collection method: clinical testing. Allele origin: germline.

Labcorp Genetics (formerly Invitae), Labcorp
Classification: Uncertain significance. Last evaluated: 2025-05-03. Review status: criteria provided, single submitter. Criteria: Invitae Variant Classification Sherloc (09022015). Collection method: clinical testing. Allele origin: germline.
Comment: This sequence change replaces isoleucine, which is neutral and non-polar, with threonine, which is neutral and polar, at codon 478 of the FGFRL1 protein (p.Ile478Thr). The frequency data for this variant in the population databases is considered unreliable, as metrics indicate poor data quality at this position in the gnomAD database. This variant has not been reported in the literature in individuals affected with FGFRL1-related conditions. ClinVar contains an entry for this variant (Variation ID: 1941456). An algorithm developed to predict the effect of missense changes on protein structure and function outputs the following: PolyPhen-2: "Benign". The threonine amino acid residue is found in multiple mammalian species, which suggests that this missense change does not adversely affect protein function. In summary, the available evidence is currently insufficient to determine the role of this variant in disease. Therefore, it has been classified as a Variant of Uncertain Significance.

NM_001004356.3(FGFRL1):c.1433T>C (p.Ile478Thr)

Gene: FGFRL1 (fibroblast growth factor receptor like 1; plus strand). Cytogenetic location: 4p16.3.
Variant type: single nucleotide variant.
Coding change: c.1433T>C on transcript NM_001004356.3 (MANE Select); coding-DNA position 1433, T replaced by C.
Protein change: p.Ile478Thr; replaces isoleucine 478 with threonine.
Molecular consequence: missense variant.
Genome position (GRCh38, 1-based): chr4:1,025,265, T>C. VCF-style: chr4-1025265-T-C. GRCh37 (hg19) VCF-style: chr4-1019053-T-C.
Other names: c.1433T>C, p.Ile478Thr (NM_001004358.1, NM_001370296.1, NM_021923.3); c.1433T>C (NM_001004356.2); short protein forms I478T.
Identifiers: ClinVar variation 1941456 (VCV001941456.6), dbSNP rs756472488, ClinGen allele CA2803112.